The following is an entry in ClinVar:

NM_002693.3(POLG):c.3104+8C>A

Gene: POLG (DNA polymerase gamma, catalytic subunit; minus strand). Cytogenetic location: 15q26.1.
Variant type: single nucleotide variant.
Coding change: c.3104+8C>A on transcript NM_002693.3 (MANE Select); 8 bases into the intron after coding-DNA position 3104, C replaced by A.
Molecular consequence: intron variant.
Genome position (GRCh38, 1-based): chr15:89,319,220, G>T on the plus strand (C>A on the coding strand, the complement: POLG is on the minus strand). VCF-style: chr15-89319220-G-T. GRCh37 (hg19) VCF-style: chr15-89862451-G-T.
Other names: c.3104+8C>A (NM_001126131.2).
Identifiers: ClinVar variation 206471 (VCV000206471.20), dbSNP rs754615624, ClinGen allele CA316598.

ClinVar aggregate classification (germline): Conflicting classifications of pathogenicity. Review status: criteria provided, conflicting classifications (1 of 4 stars). 5 submissions from 5 submitters: Uncertain significance (1); Benign (1); Likely benign (3). Last evaluated 2026-01-15.

Conditions:
POLG-related disorder. Also called: POLG-related condition; POLG-Related Disorders; POLG-Related Spectrum Disorders. Identifiers: MedGen C4763519.
Progressive sclerosing poliodystrophy (MTDPS4A). Also called: Mitochondrial DNA depletion syndrome 4A (Alpers type); Alpers Syndrome; NEURONAL DEGENERATION OF CHILDHOOD WITH LIVER DISEASE, PROGRESSIVE; ALPERS PROGRESSIVE INFANTILE POLIODYSTROPHY; ALPERS DIFFUSE DEGENERATION OF CEREBRAL GRAY MATTER WITH HEPATIC CIRRHOSIS; Alpers-Huttenlocher Syndrome. Identifiers: Orphanet 726, MedGen C0205710, MONDO:0008758, OMIM 203700.

Allele frequency attached by ClinVar (database versions not stated): gnomAD 0.00002 and 0.00003; TOPMed 0.00003; gnomAD exomes 0.00013; ExAC 0.00016.
gnomAD v4.1: 43 of 1,614,036 alleles (0.0027%); highest among the groups gnomAD compares: Admixed American, 0.07%; no homozygotes.

Submissions (5):

Labcorp Genetics (formerly Invitae), Labcorp
Classification: Likely benign for Progressive sclerosing poliodystrophy. Last evaluated: 2026-01-15. Review status: criteria provided, single submitter. Criteria: Invitae Variant Classification Sherloc (09022015). Collection method: clinical testing. Allele origin: germline.

PreventionGenetics, part of Exact Sciences
Classification: Likely benign for POLG-related condition. Last evaluated: 2025-02-18. Review status: criteria provided, single submitter. Criteria: ACMG Guidelines, 2015. Collection method: clinical testing. Allele origin: germline.
Comment: This variant is classified as likely benign based on ACMG/AMP sequence variant interpretation guidelines (Richards et al. 2015 PMID: 25741868, with internal and published modifications).

Wong Mito Lab, Molecular and Human Genetics, Baylor College of Medicine
Classification: Likely benign for Progressive sclerosing poliodystrophy. Last evaluated: 2018-10-01. Review status: criteria provided, single submitter. Criteria: ACMG Guidelines, 2015. Collection method: clinical testing. Allele origin: germline.
Comment: The NM_002693.2:c.3104+8C>A (NP_002684.1:p.=) [GRCH38: NC_000015.10:g.89319220G>T] variant in POLG gene is interpretated to be a Likely Benign based on ACMG guidelines (PMID: 25741868). This variant meets the following evidence codes reported in the ACMG-guideline. BP4:Computational evidence/predictors indicate no impact on the POLG structure, function, or protein-protein interaction. BP6:Reputable source(s) without shared data suggest the variant is benign. Based on the evidence criteria codes applied, the variant is suggested to be Likely Benign.

Eurofins Ntd Llc (ga)
Classification: Uncertain significance. Last evaluated: 2018-05-25. Review status: criteria provided, single submitter. Criteria: EGL ClinVar v180209 classification definitions. Collection method: clinical testing. Allele origin: germline. Observed: 2 variant alleles, 2 heterozygotes.

GeneDx
Classification: Benign. Last evaluated: 2015-01-02. Review status: criteria provided, single submitter. Criteria: GeneDx Variant Classification (06012015). Collection method: clinical testing. Allele origin: germline. Affected: yes.
Comment: This variant is considered likely benign or benign based on one or more of the following criteria: it is a conservative change, it occurs at a poorly conserved position in the protein, it is predicted to be benign by multiple in silico algorithms, and/or has population frequency not consistent with disease.